The following is an entry in ClinVar:

ClinVar aggregate classification (germline): Uncertain significance (1 of 4 stars; one submission).

Conditions:
Charcot-Marie-Tooth disease type 2. Also called: Charcot-Marie-Tooth type 2. Identifiers: Orphanet 64746, MedGen C0270914, MONDO:0018993.

Allele frequency attached by ClinVar (database versions not stated): TOPMed below 0.00001; gnomAD 0.00001.
gnomAD v4.1: 1 of 1,613,792 alleles (0.000062%); highest among the groups gnomAD compares: Non-Finnish European, 0.000085%; no homozygotes.

Submission:

Labcorp Genetics (formerly Invitae), Labcorp
Classification: Uncertain significance for Charcot-Marie-Tooth disease type 2. Last evaluated: 2021-09-25. Review status: criteria provided, single submitter. Criteria: Invitae Variant Classification Sherloc (09022015). Collection method: clinical testing. Allele origin: germline.
Comment: In summary, the available evidence is currently insufficient to determine the role of this variant in disease. Therefore, it has been classified as a Variant of Uncertain Significance. Advanced modeling of protein sequence and biophysical properties (such as structural, functional, and spatial information, amino acid conservation, physicochemical variation, residue mobility, and thermodynamic stability) performed at Invitae indicates that this missense variant is not expected to disrupt MFN2 protein function. This variant has not been reported in the literature in individuals affected with MFN2-related conditions. This variant is not present in population databases (ExAC no frequency). This sequence change replaces methionine with valine at codon 478 of the MFN2 protein (p.Met478Val). The methionine residue is moderately conserved and there is a small physicochemical difference between methionine and valine.

NM_014874.4(MFN2):c.1432A>G (p.Met478Val)

Gene: MFN2 (mitofusin 2; plus strand). Cytogenetic location: 1p36.22.
Variant type: single nucleotide variant.
Coding change: c.1432A>G on transcript NM_014874.4 (MANE Select); coding-DNA position 1432, A replaced by G.
Protein change: p.Met478Val; replaces methionine 478 with valine.
Molecular consequence: missense variant.
Genome position (GRCh38, 1-based): chr1:12,004,864, A>G. VCF-style: chr1-12004864-A-G. GRCh37 (hg19) VCF-style: chr1-12064921-A-G.
Other names: c.1432A>G, p.Met478Val (NM_001127660.2); short protein forms M478V.
Identifiers: ClinVar variation 1383258 (VCV001383258.6), dbSNP rs953946892, ClinGen allele CA18011524.